The following is an entry in ClinVar:

NM_004727.3(SLC24A1):c.1101G>A (p.Leu367=)

Gene: SLC24A1 (solute carrier family 24 member 1; plus strand). Cytogenetic location: 15q22.31.
Variant type: single nucleotide variant.
Coding change: c.1101G>A on transcript NM_004727.3 (MANE Select); coding-DNA position 1101, G replaced by A.
Protein change: p.Leu367=; no amino-acid change (leucine 367 retained).
Molecular consequence: synonymous variant.
Genome position (GRCh38, 1-based): chr15:65,625,181, G>A. VCF-style: chr15-65625181-G-A. GRCh37 (hg19) VCF-style: chr15-65917519-G-A.
Other names: c.1101G>A, p.Leu367= (NM_001301031.1, NM_001301032.1, NM_001301033.2 and 1 more transcripts); c.1101G>A (NM_004727.2).
Identifiers: ClinVar variation 2073155 (VCV002073155.5), dbSNP rs1414946852, ClinGen allele CA490904405.
Genomic context (GRCh38, chr15:65,625,181, plus strand): 5'-TCCTTCACCCAGGACCAGTGTATCAGCCATCAAAACAGCCCCAGCCATAGTCTGGAGGCT[G>A]GCAAAGAAACCTTCCACAGCACCCAGCACCTCAACAACCCCTACGGTCAGGGCAAAGCTG-3'
Protein context (NP_004718.1, residues 357-377): IKTAPAIVWR[Leu367=]AKKPSTAPST

ClinVar aggregate classification (germline): Likely benign. Review status: criteria provided, multiple submitters, no conflicts (2 of 4 stars). 2 submissions from 2 submitters: Likely benign (2). Last evaluated 2024-10-18.

Conditions:
SLC24A1-related disorder. Also called: SLC24A1-related condition.

Allele frequency attached by ClinVar (database versions not stated): gnomAD exomes below 0.00001; TOPMed 0.00008.
gnomAD v4.1: 4 of 1,613,890 alleles (0.00025%); highest among the groups gnomAD compares: African/African-American, 0.004%; no homozygotes.

Submissions (2):

PreventionGenetics, part of Exact Sciences
Classification: Likely benign for SLC24A1-related condition. Last evaluated: 2024-10-18. Review status: criteria provided, single submitter. Criteria: ACMG Guidelines, 2015. Collection method: clinical testing. Allele origin: germline.
Comment: This variant is classified as likely benign based on ACMG/AMP sequence variant interpretation guidelines (Richards et al. 2015 PMID: 25741868, with internal and published modifications).

Labcorp Genetics (formerly Invitae), Labcorp
Classification: Likely benign. Last evaluated: 2024-09-19. Review status: criteria provided, single submitter. Criteria: Invitae Variant Classification Sherloc (09022015). Collection method: clinical testing. Allele origin: germline.